The following is an entry in ClinVar:

ClinVar aggregate classification (germline): Uncertain significance. Review status: criteria provided, multiple submitters, no conflicts (2 of 4 stars). 4 submissions from 4 submitters: Uncertain significance (4). Last evaluated 2025-08-31.

Conditions:
Usher syndrome type 2C. Also called: Usher syndrome, type 2B; USHER SYNDROME, TYPE IIC. Identifiers: Orphanet 231178, Orphanet 886, MedGen C2931213, MONDO:0011558, OMIM 605472.
Febrile seizures, familial, 4 (FEB4). Also called: CONVULSIONS, FAMILIAL FEBRILE, 4. Identifiers: MedGen C1858493, MONDO:0011443, OMIM 604352.
Inborn genetic diseases. Identifiers: MedGen C0950123, MeSH D030342.

Allele frequency attached by ClinVar (database versions not stated): TOPMed 0.00002; ESP Exome Variant Server 0.00008.
gnomAD v4.1: 75 of 1,612,314 alleles (0.0047%); highest among the groups gnomAD compares: Non-Finnish European, 0.0064%; no homozygotes.

Submissions (4):

Ambry Genetics
Classification: Uncertain significance for Inborn genetic diseases. Last evaluated: 2025-08-31. Review status: criteria provided, single submitter. Criteria: Ambry Variant Classification Scheme 2023. Collection method: clinical testing. Allele origin: germline.

Blueprint Genetics
Classification: Uncertain significance. Last evaluated: 2023-08-02. Review status: criteria provided, single submitter. Criteria: ACMG Guidelines, 2015. Collection method: clinical testing. Allele origin: germline.

Laboratory for Molecular Medicine, Mass General Brigham Personalized Medicine
Classification: Uncertain significance. Last evaluated: 2020-06-08. Review status: criteria provided, single submitter. Criteria: LMM Criteria. Collection method: clinical testing. Allele origin: germline. Observed: 1 variant allele.
Comment: The p.Val4907Phe variant in ADGRV1 has not been previously reported in individuals with hearing loss or Usher syndrome, but it has been identified in 0.007% (8/112882) European chromosomes by gnomAD. It has been reported in ClinVar (Variation ID 504584). Although this variant has been seen in the general population, its frequency is not high enough to rule out a pathogenic role. Computational prediction tools and conservation analyses suggest that this variant may not impact the protein, though this information is not predictive enough to rule out pathogenicity. In summary, the clinical significance of the p.Val4907Phe variant is uncertain. ACMG/AMP Criteria applied: PM2, BP4.

Fulgent Genetics
Classification: Uncertain significance for Febrile seizures, familial, 4; Usher syndrome type 2C. Last evaluated: 2018-10-31. Review status: criteria provided, single submitter. Criteria: ACMG Guidelines, 2015. Collection method: clinical testing. Allele origin: unknown.

NM_032119.4(ADGRV1):c.14719G>T (p.Val4907Phe)

Gene: ADGRV1 (adhesion G protein-coupled receptor V1; plus strand). Cytogenetic location: 5q14.3.
Variant type: single nucleotide variant.
Coding change: c.14719G>T on transcript NM_032119.4 (MANE Select); coding-DNA position 14719, G replaced by T.
Protein change: p.Val4907Phe; replaces valine 4907 with phenylalanine.
Molecular consequence: missense variant. On other transcripts: non-coding transcript variant (1).
Genome position (GRCh38, 1-based): chr5:90,805,341, G>T. VCF-style: chr5-90805341-G-T. GRCh37 (hg19) VCF-style: chr5-90101158-G-T.
Other names: short protein forms V4907F.
Identifiers: ClinVar variation 504584 (VCV000504584.8), dbSNP rs373391623, ClinGen allele CA3341796.